The following is an entry in ClinVar:

ClinVar aggregate classification (germline): Pathogenic (1 of 4 stars; one submission).

Conditions:
Developmental and epileptic encephalopathy, 1 (DEE1). Also called: OHTAHARA SYNDROME, X-LINKED; INFANTILE SPASM SYNDROME, X-LINKED 1; X-linked infantile spasms; West's syndrome; Tonic spasms with clustering, arrest of psychomotor development and hypsarrhythmia on EEG; X-Linked Infantile Spasm Syndrome. Identifiers: MedGen C3463992, MONDO:0010632, OMIM 308350. Disease mechanism: loss of function.
Intellectual disability, X-linked, with or without seizures, ARX-related. Also called: MENTAL RETARDATION, X-LINKED 29; MENTAL RETARDATION, X-LINKED 32; MENTAL RETARDATION, X-LINKED 33; MENTAL RETARDATION, X-LINKED 38; MENTAL RETARDATION, X-LINKED 43; MENTAL RETARDATION, X-LINKED 76. Identifiers: Orphanet 777, MedGen C0796244, MONDO:0010317, OMIM 300419.

Submission:

Labcorp Genetics (formerly Invitae), Labcorp
Classification: Pathogenic for Developmental and epileptic encephalopathy, 1; Intellectual disability, X-linked, with or without seizures, ARX-related. Last evaluated: 2019-08-23. Review status: criteria provided, single submitter. Criteria: Invitae Variant Classification Sherloc (09022015). Collection method: clinical testing. Allele origin: germline.
Comment: This sequence change results in a premature translational stop signal in the ARX gene (p.Pro447Leufs*34). While this is not anticipated to result in nonsense mediated decay, it is expected to disrupt the last 116 amino acids of the ARX protein. For these reasons, this variant has been classified as Pathogenic. This variant disrupts the C-terminus of the ARX protein. Other variant(s) that disrupt this region (p.Thr487Glnfs*5) have been determined to be pathogenic (PMID: 23039062). This suggests that variants that disrupt this region of the protein are likely to be causative of disease. This variant has been observed in individual(s) with clinical features of early infantile epileptic encephalopathy (Invitae). In at least one individual the variant was observed to be de novo. The frequency data for this variant in the population databases is considered unreliable, as metrics indicate insufficient coverage at this position in the ExAC database.

Literature cited by the submitters: PubMed 23039062.

NM_139058.3(ARX):c.1287_1339dup (p.Pro447fs)

Gene: ARX (aristaless related homeobox; minus strand). Cytogenetic location: Xp21.3.
Variant type: Duplication.
Coding change: c.1287_1339dup on transcript NM_139058.3 (MANE Select); coding-DNA positions 1287 to 1339, 53 bases duplicated.
Protein change: p.Pro447fs; shifts the reading frame from proline 447.
Molecular consequence: frameshift variant.
Genome position (GRCh38, 1-based): chrX:25,007,220-25,007,272, 53 bases duplicated. GRCh37 (hg19): chrX:25,025,343-25,025,395.
Other names: short protein forms P447fs.
Identifiers: ClinVar variation 950929 (VCV000950929.10), dbSNP rs2048682045, ClinGen allele CA1139667342.